The following is an entry in ClinVar:

ClinVar aggregate classification (germline): Uncertain significance (1 of 4 stars; one submission).

Conditions:
Beckwith-Wiedemann syndrome (BWS). Also called: Exomphalos macroglossia gigantism syndrome; EMG SYNDROME. Identifiers: Orphanet 116, MedGen C0004903, MONDO:0007534, OMIM 130650.

Submission:

Labcorp Genetics (formerly Invitae), Labcorp
Classification: Uncertain significance for Beckwith-Wiedemann syndrome. Last evaluated: 2022-01-06. Review status: criteria provided, single submitter. Criteria: Invitae Variant Classification Sherloc (09022015). Collection method: clinical testing. Allele origin: germline.
Comment: In summary, the available evidence is currently insufficient to determine the role of this variant in disease. Therefore, it has been classified as a Variant of Uncertain Significance. Variants that disrupt the consensus splice site are a relatively common cause of aberrant splicing (PMID: 17576681, 9536098). Algorithms developed to predict the effect of sequence changes on RNA splicing suggest that this variant may disrupt the consensus splice site. This variant has not been reported in the literature in individuals affected with CDKN1C-related conditions. This variant is not present in population databases (gnomAD no frequency). This sequence change affects a splice site in intron 1 of the CDKN1C gene. While this variant is not anticipated to result in nonsense mediated decay, it likely alters RNA splicing and results in a disrupted protein product.

Literature cited by the submitters: PubMed 17576681; PubMed 9536098.

NM_001122630.2(CDKN1C):c.788-4_788-1del

Gene: CDKN1C (cyclin dependent kinase inhibitor 1C; minus strand). Cytogenetic location: 11p15.4.
Variant type: Deletion.
Coding change: c.788-4_788-1del on transcript NM_001122630.2 (MANE Select); 4 bases into the intron before coding-DNA position 788 through the canonical splice acceptor site of the intron before coding-DNA position 788, 4 bases deleted (GCAG; older notation c.788-4_788-1delGCAG).
Molecular consequence: splice acceptor variant.
Genome position (GRCh38, 1-based): chr11:2,884,135-2,884,138, CTGC deleted on the plus strand (GCAG on the coding strand, the reverse complement: CDKN1C is on the minus strand). VCF-style (leftmost placement, unchanged base first): chr11-2884134-TCTGC-T. GRCh37 (hg19) VCF-style: chr11-2905364-TCTGC-T.
Other names: c.256-4_256-1del (NM_001362475.2); c.788-4_788-1del (NM_001122631.2); c.821-4_821-1del (NM_001362474.2, NM_000076.2).
Identifiers: ClinVar variation 2075993 (VCV002075993.4), dbSNP rs2494380342, ClinGen allele CA2580082644.